The following is an entry in ClinVar:

ClinVar aggregate classification (germline): Benign/Likely benign. Review status: criteria provided, multiple submitters, no conflicts (2 of 4 stars). 2 submissions from 2 submitters: Benign (1); Likely benign (1). Last evaluated 2026-02-01.

gnomAD v4.1: 1,024 of 1,613,754 alleles (0.063%); highest among the groups gnomAD compares: Non-Finnish European, 0.068%; 2 homozygotes.

Submissions (2):

CeGaT Center for Human Genetics Tuebingen
Classification: Likely benign. Last evaluated: 2026-02-01. Review status: criteria provided, single submitter. Criteria: CeGaT Center For Human Genetics Tuebingen Variant Classification Criteria Version 2. Collection method: clinical testing. Allele origin: germline. Affected: yes. Observed: 1 variant allele.
Comment: PRKAR1B: BP4, BP7

Laboratory of Genetics, Children's Clinical University Hospital Latvia
Classification: Benign. Last evaluated: 2025-02-16. Review status: criteria provided, single submitter. Criteria: ACMG Guidelines, 2015. Collection method: clinical testing. Allele origin: germline. Affected: yes.

NM_001164760.2(PRKAR1B):c.513A>C (p.Gly171=)

Genes: PRKAR1B (protein kinase cAMP-dependent type I regulatory subunit beta; minus strand), PRKAR1B-AS1 (PRKAR1B antisense RNA 1; plus strand). Cytogenetic location: 7p22.3.
Variant type: single nucleotide variant.
Coding change: c.513A>C on transcript NM_001164760.2 (MANE Select); coding-DNA position 513, A replaced by C.
Protein change: p.Gly171=; no amino-acid change (glycine 171 retained).
Molecular consequence: synonymous variant.
Genome position (GRCh38, 1-based): chr7:606,229, T>G on the plus strand (A>C on the coding strand, the complement: PRKAR1B is on the minus strand). VCF-style: chr7-606229-T-G. GRCh37 (hg19) VCF-style: chr7-645866-T-G.
Other names: c.513A>C, p.Gly171= (NM_001164758.2, NM_001164759.1, NM_001164761.2 and 2 more transcripts).
Identifiers: ClinVar variation 3910584 (VCV003910584.5).